The following is an entry in ClinVar:

NM_000548.5(TSC2):c.2389A>C (p.Ile797Leu)

Gene: TSC2 (TSC complex subunit 2; plus strand). Cytogenetic location: 16p13.3.
Variant type: single nucleotide variant.
Coding change: c.2389A>C on transcript NM_000548.5 (MANE Select); coding-DNA position 2389, A replaced by C.
Protein change: p.Ile797Leu; replaces isoleucine 797 with leucine.
Molecular consequence: missense variant. On other transcripts: non-coding transcript variant (5).
Genome position (GRCh38, 1-based): chr16:2,074,233, A>C. VCF-style: chr16-2074233-A-C. GRCh37 (hg19) VCF-style: chr16-2124234-A-C.
Other names: c.2389A>C, p.Ile797Leu (NM_001406665.1, NM_001406664.1, NM_001114382.3 and 6 more transcripts); c.2479A>C, p.Ile827Leu (NM_001406667.1, NM_001406668.1); c.2278A>C, p.Ile760Leu (NM_001406670.1, NM_001318827.2, NM_001406678.1); c.2377A>C, p.Ile793Leu (NM_001406671.1, NM_001406673.1); c.2242A>C, p.Ile748Leu (NM_001318829.2, NM_001406675.1, NM_001406676.1 and 1 more transcripts); c.1789A>C, p.Ile597Leu (NM_001318831.2, NM_001406680.1, NM_001406682.1 and 6 more transcripts); c.2422A>C, p.Ile808Leu (NM_001318832.2); c.1045A>C, p.Ile349Leu (NM_001406694.1, NM_001406695.1, NM_001406696.1 and 6 more transcripts); and 3 more; short protein forms I793L, I797L, I597L, I643L, I263L, I760L, I778L, I349L.
Identifiers: ClinVar variation 2766356 (VCV002766356.3), dbSNP rs1240217406, ClinGen allele CA394277058.

ClinVar aggregate classification (germline): Uncertain significance (1 of 4 stars; one submission).

Conditions:
Tuberous sclerosis 2 (TSC2). Identifiers: Orphanet 805, MedGen C1860707, MONDO:0013199, OMIM 613254.

Submission:

Labcorp Genetics (formerly Invitae), Labcorp
Classification: Uncertain significance for Tuberous sclerosis 2. Last evaluated: 2024-11-05. Review status: criteria provided, single submitter. Criteria: Invitae Variant Classification Sherloc (09022015). Collection method: clinical testing. Allele origin: germline.
Comment: This sequence change replaces isoleucine, which is neutral and non-polar, with leucine, which is neutral and non-polar, at codon 797 of the TSC2 protein (p.Ile797Leu). This variant is not present in population databases (gnomAD no frequency). This variant has not been reported in the literature in individuals affected with TSC2-related conditions. ClinVar contains an entry for this variant (Variation ID: 2766356). Invitae Evidence Modeling of protein sequence and biophysical properties (such as structural, functional, and spatial information, amino acid conservation, physicochemical variation, residue mobility, and thermodynamic stability) indicates that this missense variant is not expected to disrupt TSC2 protein function with a negative predictive value of 95%. In summary, the available evidence is currently insufficient to determine the role of this variant in disease. Therefore, it has been classified as a Variant of Uncertain Significance.